The following is an entry in ClinVar:

NM_000901.5(NR3C2):c.*7G>A

Gene: NR3C2 (nuclear receptor subfamily 3 group C member 2; minus strand). Cytogenetic location: 4q31.23.
Variant type: single nucleotide variant.
Coding change: c.*7G>A on transcript NM_000901.5 (MANE Select); 7 bases downstream of the stop codon, G replaced by A.
Molecular consequence: 3 prime UTR variant. On other transcripts: non-coding transcript variant (1).
Genome position (GRCh38, 1-based): chr4:148,081,337, C>T on the plus strand (G>A on the coding strand, the complement: NR3C2 is on the minus strand). VCF-style: chr4-148081337-C-T. GRCh37 (hg19) VCF-style: chr4-149002488-C-T.
Other names: c.*7G>A (NM_001166104.2, NM_001354819.1).
Identifiers: ClinVar variation 903275 (VCV000903275.4), dbSNP rs772531453, ClinGen allele CA3099991.

ClinVar aggregate classification (germline): Likely benign (1 of 4 stars; one submission).

Conditions:
Autosomal dominant pseudohypoaldosteronism type 1. Also called: Pseudohypoaldosteronism, Type I, Autosomal Dominant; Pseudohypoaldosteronism, Type I, Dominant; PHA I, AUTOSOMAL DOMINANT. Identifiers: Orphanet 171871, Orphanet 756, MedGen C1449842, MONDO:0008329, OMIM 177735.

Allele frequency attached by ClinVar (database versions not stated): gnomAD 0.00001; gnomAD exomes 0.00001 and 0.00002; TOPMed 0.00001; ExAC 0.00002.
gnomAD v4.1: 19 of 1,614,034 alleles (0.0012%); highest among the groups gnomAD compares: South Asian, 0.011%; no homozygotes.

Submission:

Illumina Laboratory Services, Illumina
Classification: Likely benign for Autosomal dominant pseudohypoaldosteronism type 1. Last evaluated: 2018-01-13. Review status: criteria provided, single submitter. Criteria: ICSL Variant Classification Criteria 13 December 2019. Collection method: clinical testing. Allele origin: germline.
Comment: This variant was observed in the ICSL laboratory as part of a predisposition screen in an ostensibly healthy population. It had not been previously curated by ICSL or reported in the Human Gene Mutation Database (HGMD: prior to June 1st, 2018), and was therefore a candidate for classification through an automated scoring system. Utilizing variant allele frequency, disease prevalence and penetrance estimates, and inheritance mode, an automated score was calculated to assess if this variant is too frequent to cause the disease. Based on the score and internal cut-off values, a variant classified as likely benign is not then subjected to further curation. The score for this variant resulted in a classification of likely benign for this disease.